The following is an entry in ClinVar:

NM_016151.4(TAOK2):c.2276C>T (p.Pro759Leu)

Gene: TAOK2 (TAO kinase 2; plus strand). Cytogenetic location: 16p11.2.
Variant type: single nucleotide variant.
Coding change: c.2276C>T on transcript NM_016151.4 (MANE Select); coding-DNA position 2276, C replaced by T.
Protein change: p.Pro759Leu; replaces proline 759 with leucine.
Molecular consequence: missense variant. On other transcripts: intron variant (2).
Genome position (GRCh38, 1-based): chr16:29,986,548, C>T. VCF-style: chr16-29986548-C-T. GRCh37 (hg19) VCF-style: chr16-29997869-C-T.
Other names: c.2232+44C>T (NM_004783.4, NM_001252043.2); short protein forms P759L.
Identifiers: ClinVar variation 2986175 (VCV002986175.3), dbSNP rs2543661579, ClinGen allele CA395490599.

ClinVar aggregate classification (germline): Uncertain significance (1 of 4 stars; one submission).

Allele frequency attached by ClinVar (database versions not stated): gnomAD exomes below 0.00001.
gnomAD v4.1: 2 of 1,613,806 alleles (0.00012%); highest among the groups gnomAD compares: Non-Finnish European, 0.00017%; no homozygotes.

Submission:

Labcorp Genetics (formerly Invitae), Labcorp
Classification: Uncertain significance. Last evaluated: 2023-11-17. Review status: criteria provided, single submitter. Criteria: Invitae Variant Classification Sherloc (09022015). Collection method: clinical testing. Allele origin: germline.
Comment: This sequence change replaces proline, which is neutral and non-polar, with leucine, which is neutral and non-polar, at codon 759 of the TAOK2 protein (p.Pro759Leu). This variant is not present in population databases (gnomAD no frequency). This variant has not been reported in the literature in individuals affected with TAOK2-related conditions. Algorithms developed to predict the effect of missense changes on protein structure and function output the following: SIFT: "Not Available"; PolyPhen-2: "Benign"; Align-GVGD: "Not Available". The leucine amino acid residue is found in multiple mammalian species, which suggests that this missense change does not adversely affect protein function. In summary, the available evidence is currently insufficient to determine the role of this variant in disease. Therefore, it has been classified as a Variant of Uncertain Significance.